The following is an entry in ClinVar:

NM_147127.5(EVC2):c.1637A>C (p.Lys546Thr)

Gene: EVC2 (EvC ciliary complex subunit 2; minus strand). Cytogenetic location: 4p16.2.
Variant type: single nucleotide variant.
Coding change: c.1637A>C on transcript NM_147127.5 (MANE Select); coding-DNA position 1637, A replaced by C.
Protein change: p.Lys546Thr; replaces lysine 546 with threonine.
Molecular consequence: missense variant.
Genome position (GRCh38, 1-based): chr4:5,631,866, T>G on the plus strand (A>C on the coding strand, the complement: EVC2 is on the minus strand). VCF-style: chr4-5631866-T-G. GRCh37 (hg19) VCF-style: chr4-5633593-T-G.
Other names: c.1397A>C, p.Lys466Thr (NM_001166136.2); c.1637A>C (NM_147127.4); short protein forms K466T, K546T.
Identifiers: ClinVar variation 2159273 (VCV002159273.3), dbSNP rs778083211, ClinGen allele CA2834995.

ClinVar aggregate classification (germline): Uncertain significance. Review status: criteria provided, multiple submitters, no conflicts (2 of 4 stars). 2 submissions from 2 submitters: Uncertain significance (2). Last evaluated 2025-08-05.

Conditions:
Inborn genetic diseases. Identifiers: MedGen C0950123, MeSH D030342.
Ellis-van Creveld syndrome (EVC). Also called: MESOECTODERMAL DYSPLASIA; Chondroectodermal dysplasia; EVC-Related Ellis-van Creveld Syndrome; EVC2-Related Ellis-van Creveld Syndrome. Identifiers: Orphanet 289, MedGen C0013903, MONDO:0009162, OMIM 225500.
Curry-Hall syndrome (WAD). Also called: WEYERS ACRODENTAL DYSOSTOSIS. Identifiers: Orphanet 952, MedGen C0457013, MONDO:0008673, OMIM 193530.

Allele frequency attached by ClinVar (database versions not stated): gnomAD 0.00001; gnomAD exomes 0.00001; TOPMed 0.00001; ExAC 0.00002.
gnomAD v4.1: 9 of 1,614,128 alleles (0.00056%); highest among the groups gnomAD compares: Non-Finnish European, 0.00076%; no homozygotes.

Submissions (2):

Ambry Genetics
Classification: Uncertain significance for Inborn genetic diseases. Last evaluated: 2025-08-05. Review status: criteria provided, single submitter. Criteria: Ambry Variant Classification Scheme 2023. Collection method: clinical testing. Allele origin: germline.

Labcorp Genetics (formerly Invitae), Labcorp
Classification: Uncertain significance for Curry-Hall syndrome; Ellis-van Creveld syndrome. Last evaluated: 2024-10-03. Review status: criteria provided, single submitter. Criteria: Invitae Variant Classification Sherloc (09022015). Collection method: clinical testing. Allele origin: germline.
Comment: This sequence change replaces lysine, which is basic and polar, with threonine, which is neutral and polar, at codon 546 of the EVC2 protein (p.Lys546Thr). This variant is present in population databases (rs778083211, gnomAD 0.002%). This variant has not been reported in the literature in individuals affected with EVC2-related conditions. ClinVar contains an entry for this variant (Variation ID: 2159273). An algorithm developed to predict the effect of missense changes on protein structure and function (PolyPhen-2) suggests that this variant is likely to be disruptive. In summary, the available evidence is currently insufficient to determine the role of this variant in disease. Therefore, it has been classified as a Variant of Uncertain Significance.